The following is an entry in ClinVar:

ClinVar aggregate classification (germline): Uncertain significance (1 of 4 stars; one submission).

Conditions:
Primary ciliary dyskinesia. Also called: Ciliary dyskinesia. Identifiers: Orphanet 244, MedGen C0008780, MONDO:0016575, HP:0012265.

Allele frequency attached by ClinVar (database versions not stated): gnomAD 0.00001.
gnomAD v4.1: 1 of 1,608,278 alleles (0.000062%); highest among the groups gnomAD compares: Non-Finnish European, 0.000085%; no homozygotes.

Submission:

Labcorp Genetics (formerly Invitae), Labcorp
Classification: Uncertain significance for Primary ciliary dyskinesia. Last evaluated: 2024-01-22. Review status: criteria provided, single submitter. Criteria: Invitae Variant Classification Sherloc (09022015). Collection method: clinical testing. Allele origin: germline.
Comment: This sequence change replaces leucine, which is neutral and non-polar, with proline, which is neutral and non-polar, at codon 897 of the DNAH8 protein (p.Leu897Pro). This variant is present in population databases (no rsID available, gnomAD 0.007%). This variant has not been reported in the literature in individuals affected with DNAH8-related conditions. Experimental studies and prediction algorithms are not available or were not evaluated, and the functional significance of this variant is currently unknown. In summary, the available evidence is currently insufficient to determine the role of this variant in disease. Therefore, it has been classified as a Variant of Uncertain Significance.

NM_001206927.2(DNAH8):c.2690T>C (p.Leu897Pro)

Gene: DNAH8 (dynein axonemal heavy chain 8; plus strand). Cytogenetic location: 6p21.2.
Variant type: single nucleotide variant.
Coding change: c.2690T>C on transcript NM_001206927.2 (MANE Select); coding-DNA position 2690, T replaced by C.
Protein change: p.Leu897Pro; replaces leucine 897 with proline.
Molecular consequence: missense variant.
Genome position (GRCh38, 1-based): chr6:38,790,314, T>C. VCF-style: chr6-38790314-T-C. GRCh37 (hg19) VCF-style: chr6-38758090-T-C.
Other names: c.2039T>C, p.Leu680Pro (NM_001371.4); short protein forms L680P, L897P.
Identifiers: ClinVar variation 2710726 (VCV002710726.3), dbSNP rs1197384412, ClinGen allele CA363990752.